The following is an entry in ClinVar:

ClinVar aggregate classification (germline): Uncertain significance (1 of 4 stars; one submission).

Conditions:
Early Myoclonic Encephalopathy. Identifiers: MedGen C0270855.

Allele frequency attached by ClinVar (database versions not stated): gnomAD exomes below 0.00001.
gnomAD v4.1: 4 of 1,610,136 alleles (0.00025%); highest among the groups gnomAD compares: African/African-American, 0.0027%; no homozygotes.

Submission:

Labcorp Genetics (formerly Invitae), Labcorp
Classification: Uncertain significance for Early Myoclonic Encephalopathy. Last evaluated: 2019-12-27. Review status: criteria provided, single submitter. Criteria: Invitae Variant Classification Sherloc (09022015). Collection method: clinical testing. Allele origin: germline.
Comment: This variant has not been reported in the literature in individuals with JMJD1C-related conditions. This sequence change replaces leucine with valine at codon 15 of the JMJD1C protein (p.Leu15Val). The leucine residue is weakly conserved and there is a small physicochemical difference between leucine and valine. This variant is not present in population databases (ExAC no frequency). Algorithms developed to predict the effect of missense changes on protein structure and function are either unavailable or do not agree on the potential impact of this missense change (SIFT: "Deleterious"; PolyPhen-2: "Benign"; Align-GVGD: "Class C0"). Algorithms developed to predict the effect of sequence changes on RNA splicing suggest that this variant may create or strengthen a splice site, but this prediction has not been confirmed by published transcriptional studies. In summary, the available evidence is currently insufficient to determine the role of this variant in disease. Therefore, it has been classified as a Variant of Uncertain Significance.

NM_032776.3(JMJD1C):c.43C>G (p.Leu15Val)

Genes: JMJD1C (jumonji domain containing 1C; minus strand), JMJD1C-AS1 (JMJD1C antisense RNA 1; plus strand). Cytogenetic location: 10q21.3.
Variant type: single nucleotide variant.
Coding change: c.43C>G on transcript NM_032776.3 (MANE Select); coding-DNA position 43, C replaced by G.
Protein change: p.Leu15Val; replaces leucine 15 with valine.
Molecular consequence: missense variant. On other transcripts: non-coding transcript variant (1), intron variant (2).
Genome position (GRCh38, 1-based): chr10:63,465,620, G>C on the plus strand (C>G on the coding strand, the complement: JMJD1C is on the minus strand). VCF-style: chr10-63465620-G-C. GRCh37 (hg19) VCF-style: chr10-65225380-G-C.
Other names: c.43C>G, p.Leu15Val (NM_001322252.2); c.-384+56118C>G (NM_001322258.2); c.-379+56118C>G (NM_001318154.2); short protein forms L15V.
Identifiers: ClinVar variation 859931 (VCV000859931.9), dbSNP rs1953194813, ClinGen allele CA377088384.